The following is an entry in ClinVar:

ClinVar aggregate classification (germline): Uncertain significance. Review status: criteria provided, multiple submitters, no conflicts (2 of 4 stars). 2 submissions from 2 submitters: Uncertain significance (2). Last evaluated 2025-07-14.

Allele frequency attached by ClinVar (database versions not stated): gnomAD exomes below 0.00001 and 0.00001; TOPMed below 0.00001; gnomAD 0.00001.
gnomAD v4.1: 12 of 1,597,774 alleles (0.00075%); highest among the groups gnomAD compares: Non-Finnish European, 0.001%; no homozygotes.

Submissions (2):

Labcorp Genetics (formerly Invitae), Labcorp
Classification: Uncertain significance. Last evaluated: 2025-07-14. Review status: criteria provided, single submitter. Criteria: Invitae Variant Classification Sherloc (09022015). Collection method: clinical testing. Allele origin: germline.
Comment: This sequence change replaces lysine, which is basic and polar, with glutamic acid, which is acidic and polar, at codon 757 of the KIF11 protein (p.Lys757Glu). This variant is present in population databases (no rsID available, gnomAD 0.0009%). This variant has not been reported in the literature in individuals affected with KIF11-related conditions. ClinVar contains an entry for this variant (Variation ID: 1352430). Invitae Evidence Modeling of protein sequence and biophysical properties (such as structural, functional, and spatial information, amino acid conservation, physicochemical variation, residue mobility, and thermodynamic stability) indicates that this missense variant is not expected to disrupt KIF11 protein function with a negative predictive value of 95%. In summary, the available evidence is currently insufficient to determine the role of this variant in disease. Therefore, it has been classified as a Variant of Uncertain Significance.

Blueprint Genetics
Classification: Uncertain significance. Last evaluated: 2022-08-23. Review status: criteria provided, single submitter. Criteria: ACMG Guidelines, 2015. Collection method: clinical testing. Allele origin: germline.

NM_004523.4(KIF11):c.2269A>G (p.Lys757Glu)

Gene: KIF11 (kinesin family member 11; plus strand). Cytogenetic location: 10q23.33.
Variant type: single nucleotide variant.
Coding change: c.2269A>G on transcript NM_004523.4 (MANE Select); coding-DNA position 2269, A replaced by G.
Protein change: p.Lys757Glu; replaces lysine 757 with glutamic acid.
Molecular consequence: missense variant.
Genome position (GRCh38, 1-based): chr10:92,645,364, A>G. VCF-style: chr10-92645364-A-G. GRCh37 (hg19) VCF-style: chr10-94405121-A-G.
Other names: short protein forms K757E.
Identifiers: ClinVar variation 1352430 (VCV001352430.7), dbSNP rs1489206658, ClinGen allele CA377593836.